The following is an entry in ClinVar:

ClinVar aggregate classification (germline): Pathogenic (0 of 4 stars; one submission).

Submission:

ISCA site 1
Classification: Pathogenic. Last evaluated: 2011-05-06. Review status: no assertion criteria provided. Collection method: clinical testing. Allele origin: paternal. Affected: yes. Observed: 1 variant allele.
Comment: Copy number variation identified through the course of routine clinical cytogenomic testing in postnatal populations. Clinical assertions have been curated as described in Kaminsky et al. 2011.

Copy number variation identified through the course of routine clinical cytogenomic testing in postnatal populations. Clinical assertions have been curated as described in Kaminsky, et al. 2011 (PubMed 21844811). For additional ClinGen data, please see nstd37.

GRCh38/hg38 2p16.3(chr2:50710306-50999091)x1

Gene: NRXN1 (neurexin 1; minus strand). Cytogenetic location: 2p16.3.
Variant type: copy number loss.
Change: copy number 1 (one copy instead of two) of chr2:50,710,306-50,999,091 (288.8 kb, GRCh38 coordinates, 1-based), cytogenetic band 2p16.3.
Identifiers: ClinVar variation 146472 (VCV000146472.2).